The following is an entry in ClinVar:

NM_014927.5(CNKSR2):c.2563C>T (p.His855Tyr)

Gene: CNKSR2 (connector enhancer of kinase suppressor of Ras 2; plus strand). Cytogenetic location: Xp22.12.
Variant type: single nucleotide variant.
Coding change: c.2563C>T on transcript NM_014927.5 (MANE Select); coding-DNA position 2563, C replaced by T.
Protein change: p.His855Tyr; replaces histidine 855 with tyrosine.
Molecular consequence: missense variant.
Genome position (GRCh38, 1-based): chrX:21,609,488, C>T. VCF-style: chrX-21609488-C-T. GRCh37 (hg19) VCF-style: chrX-21627606-C-T.
Other names: c.2473C>T, p.His825Tyr (NM_001168647.3, NM_001330773.2); c.2563C>T, p.His855Tyr (NM_001168648.3); c.2416C>T, p.His806Tyr (NM_001168649.3, NM_001330770.2); c.2326C>T, p.His776Tyr (NM_001330771.2, NM_001330772.2); short protein forms H776Y, H806Y, H825Y, H855Y.
Identifiers: ClinVar variation 4529631 (VCV004529631.1).

ClinVar aggregate classification (germline): Uncertain significance (1 of 4 stars; one submission).

gnomAD v4.1: 1 of 1,211,269 alleles (0.000083%); no homozygotes.

Submission:

GeneDx
Classification: Uncertain significance. Last evaluated: 2025-05-15. Review status: criteria provided, single submitter. Criteria: GeneDx Variant Classification Process June 2021. Collection method: clinical testing. Allele origin: germline. Affected: yes.
Comment: Not observed at significant frequency in large population cohorts (gnomAD); In silico analysis suggests that this missense variant does not alter protein structure/function; Has not been previously published as pathogenic or benign to our knowledge